The following is an entry in ClinVar:

NM_015386.3(COG4):c.2114G>C (p.Gly705Ala)

Gene: COG4 (component of oligomeric golgi complex 4; minus strand). Cytogenetic location: 16q22.1.
Variant type: single nucleotide variant.
Coding change: c.2114G>C on transcript NM_015386.3 (MANE Select); coding-DNA position 2114, G replaced by C.
Protein change: p.Gly705Ala; replaces glycine 705 with alanine.
Molecular consequence: missense variant. On other transcripts: non-coding transcript variant (1).
Genome position (GRCh38, 1-based): chr16:70,481,480, C>G on the plus strand (G>C on the coding strand, the complement: COG4 is on the minus strand). VCF-style: chr16-70481480-C-G. GRCh37 (hg19) VCF-style: chr16-70515383-C-G.
Other names: c.2039G>C, p.Gly680Ala (NM_001195139.2); c.1688G>C, p.Gly563Ala (NM_001365426.1); short protein forms G563A, G705A, G680A.
Identifiers: ClinVar variation 1363796 (VCV001363796.6), dbSNP rs2151736960, ClinGen allele CA396578608.

ClinVar aggregate classification (germline): Uncertain significance (1 of 4 stars; one submission).

Conditions:
COG4-congenital disorder of glycosylation. Also called: CONGENITAL DISORDER OF GLYCOSYLATION, TYPE IIj; CDG IIj; COG4-CDG. Identifiers: Orphanet 263501, MedGen C4303552, MONDO:0013281, OMIM 613489.

Submission:

Labcorp Genetics (formerly Invitae), Labcorp
Classification: Uncertain significance for COG4-congenital disorder of glycosylation. Last evaluated: 2022-04-08. Review status: criteria provided, single submitter. Criteria: Invitae Variant Classification Sherloc (09022015). Collection method: clinical testing. Allele origin: germline.
Comment: Algorithms developed to predict the effect of missense changes on protein structure and function are either unavailable or do not agree on the potential impact of this missense change (SIFT: "Tolerated"; PolyPhen-2: "Probably Damaging"; Align-GVGD: "Class C0"). This variant has not been reported in the literature in individuals affected with COG4-related conditions. This variant is not present in population databases (gnomAD no frequency). This sequence change replaces glycine, which is neutral and non-polar, with alanine, which is neutral and non-polar, at codon 705 of the COG4 protein (p.Gly705Ala). In summary, the available evidence is currently insufficient to determine the role of this variant in disease. Therefore, it has been classified as a Variant of Uncertain Significance.